The following is an entry in ClinVar:

NM_000093.5(COL5A1):c.4536C>T (p.Ser1512=)

Genes: COL5A1 (collagen type V alpha 1 chain; plus strand), LOC101448202 (uncharacterized LOC101448202; minus strand). Cytogenetic location: 9q34.3.
Variant type: single nucleotide variant.
Coding change: c.4536C>T on transcript NM_000093.5 (MANE Select); coding-DNA position 4536, C replaced by T.
Protein change: p.Ser1512=; no amino-acid change (serine 1512 retained).
Molecular consequence: synonymous variant. On other transcripts: non-coding transcript variant (1).
Genome position (GRCh38, 1-based): chr9:134,820,205, C>T. VCF-style: chr9-134820205-C-T. GRCh37 (hg19) VCF-style: chr9-137712051-C-T.
Other names: p.Ser1512=; c.4536C>T, p.Ser1512= (NM_001278074.1).
Identifiers: ClinVar variation 507841 (VCV000507841.25), dbSNP rs367711669, ClinGen allele CA5320330.

ClinVar aggregate classification (germline): Benign/Likely benign. Review status: criteria provided, multiple submitters, no conflicts (2 of 4 stars). 6 submissions from 6 submitters: Benign (1); Likely benign (5). Last evaluated 2025-10-18.

Conditions:
Ehlers-Danlos syndrome, classic type, 1 (EDSCL1). Also called: EHLERS-DANLOS SYNDROME, GRAVIS TYPE; EHLERS-DANLOS SYNDROME, SEVERE CLASSIC TYPE; EDS I; Ehlers-Danlos Syndrome, Classic Type, COL5A1-Related; Ehlers-Danlos syndrome, type 1. Identifiers: MedGen C0268335, MONDO:0019567, OMIM 130000.
Familial thoracic aortic aneurysm and aortic dissection (TAAD). Also called: Thoracic aortic aneurysms and dissections. Identifiers: Orphanet 91387, MedGen C4707243, MONDO:0019625.

Allele frequency attached by ClinVar (database versions not stated): gnomAD exomes 0.00006 and 0.00005; TOPMed 0.00006; ESP Exome Variant Server 0.00008; ExAC 0.00003; gnomAD 0.00004 and 0.00003.
gnomAD v4.1: 95 of 1,613,642 alleles (0.0059%); highest among the groups gnomAD compares: Non-Finnish European, 0.0063%; no homozygotes.

Submissions (6):

Mayo Clinic Laboratories, Mayo Clinic
Classification: Likely benign. Last evaluated: 2025-10-18. Review status: criteria provided, single submitter. Criteria: ACMG Guidelines, 2015. Collection method: clinical testing. Allele origin: germline. Observed: 1 variant allele.
Comment: BP4, BP7

Labcorp Genetics (formerly Invitae), Labcorp
Classification: Likely benign for Ehlers-Danlos syndrome, classic type, 1. Last evaluated: 2025-06-11. Review status: criteria provided, single submitter. Criteria: Invitae Variant Classification Sherloc (09022015). Collection method: clinical testing. Allele origin: germline.

Women's Health and Genetics/Laboratory Corporation of America, LabCorp
Classification: Benign. Last evaluated: 2025-02-06. Review status: criteria provided, single submitter. Criteria: LabCorp Variant Classification Summary - May 2015. Collection method: clinical testing. Allele origin: germline.

GeneDx
Classification: Likely benign. Last evaluated: 2020-01-16. Review status: criteria provided, single submitter. Criteria: GeneDx Variant Classification Process June 2021. Collection method: clinical testing. Allele origin: germline. Affected: yes.

ARUP Laboratories, Molecular Genetics and Genomics, ARUP Laboratories
Classification: Likely benign. Last evaluated: 2017-10-12. Review status: criteria provided, single submitter. Criteria: ARUP Molecular Germline Variant Investigation Process. Collection method: clinical testing. Allele origin: germline.

Ambry Genetics
Classification: Likely benign for Familial thoracic aortic aneurysm and aortic dissection. Last evaluated: 2016-01-14. Review status: criteria provided, single submitter. Criteria: Ambry Variant Classification Scheme 2023. Collection method: clinical testing. Allele origin: germline.